The following is an entry in ClinVar:

NM_001379500.1(COL18A1):c.2969C>G (p.Pro990Arg)

Genes: COL18A1 (collagen type XVIII alpha 1 chain; plus strand), SLC19A1 (solute carrier family 19 member 1; minus strand). Cytogenetic location: 21q22.3.
Variant type: single nucleotide variant.
Coding change: c.2969C>G on transcript NM_001379500.1 (MANE Select); coding-DNA position 2969, C replaced by G.
Protein change: p.Pro990Arg; replaces proline 990 with arginine.
Molecular consequence: missense variant.
Genome position (GRCh38, 1-based): chr21:45,505,234, C>G. VCF-style: chr21-45505234-C-G. GRCh37 (hg19) VCF-style: chr21-46925148-C-G.
Other names: c.3500C>G, p.Pro1167Arg (NM_030582.4); c.4205C>G, p.Pro1402Arg (NM_130444.3); short protein forms P1402R, P1167R, P990R.
Identifiers: ClinVar variation 1494080 (VCV001494080.6), dbSNP rs957031729, ClinGen allele CA321921474.

ClinVar aggregate classification (germline): Uncertain significance (1 of 4 stars; one submission).

Allele frequency attached by ClinVar (database versions not stated): gnomAD exomes below 0.00001; gnomAD 0.00001; TOPMed 0.00001.
gnomAD v4.1: 5 of 1,597,622 alleles (0.00031%); highest among the groups gnomAD compares: African/African-American, 0.0054%; no homozygotes.

Submission:

Labcorp Genetics (formerly Invitae), Labcorp
Classification: Uncertain significance. Last evaluated: 2022-12-06. Review status: criteria provided, single submitter. Criteria: Invitae Variant Classification Sherloc (09022015). Collection method: clinical testing. Allele origin: germline.
Comment: This variant is present in population databases (no rsID available, gnomAD 0.008%). In summary, the available evidence is currently insufficient to determine the role of this variant in disease. Therefore, it has been classified as a Variant of Uncertain Significance. Experimental studies and prediction algorithms are not available or were not evaluated, and the functional significance of this variant is currently unknown. ClinVar contains an entry for this variant (Variation ID: 1494080). This variant has not been reported in the literature in individuals affected with COL18A1-related conditions. This sequence change replaces proline, which is neutral and non-polar, with arginine, which is basic and polar, at codon 987 of the COL18A1 protein (p.Pro987Arg).